The following is an entry in ClinVar:

NM_001128228.3(TPRN):c.674A>C (p.His225Pro)

Gene: TPRN (taperin; minus strand). Cytogenetic location: 9q34.3.
Variant type: single nucleotide variant.
Coding change: c.674A>C on transcript NM_001128228.3 (MANE Select); coding-DNA position 674, A replaced by C.
Protein change: p.His225Pro; replaces histidine 225 with proline.
Molecular consequence: missense variant.
Genome position (GRCh38, 1-based): chr9:137,200,038, T>G on the plus strand (A>C on the coding strand, the complement: TPRN is on the minus strand). VCF-style: chr9-137200038-T-G. GRCh37 (hg19) VCF-style: chr9-140094490-T-G.
Other names: short protein forms H225P.
Identifiers: ClinVar variation 3764173 (VCV003764173.2).

ClinVar aggregate classification (germline): Conflicting classifications of pathogenicity. Review status: criteria provided, conflicting classifications (1 of 4 stars). 2 submissions from 2 submitters: Uncertain significance (1); Likely benign (1). Last evaluated 2024-12-16.

Conditions:
Inborn genetic diseases. Identifiers: MedGen C0950123, MeSH D030342.

gnomAD v4.1: 5 of 1,439,362 alleles (0.00035%); highest among the groups gnomAD compares: Middle Eastern, 0.045%; no homozygotes.

Submissions (2):

Ambry Genetics
Classification: Likely benign for Inborn genetic diseases. Last evaluated: 2024-12-16. Review status: criteria provided, single submitter. Criteria: Ambry Variant Classification Scheme 2023. Collection method: clinical testing. Allele origin: germline.

GeneDx
Classification: Uncertain significance. Last evaluated: 2024-08-23. Review status: criteria provided, single submitter. Criteria: GeneDx Variant Classification Process June 2021. Collection method: clinical testing. Allele origin: germline. Affected: yes.
Comment: In silico analysis indicates that this missense variant does not alter protein structure/function; Has not been previously published as pathogenic or benign to our knowledge